The following is an entry in ClinVar:

NM_006767.4(LZTR1):c.651+4A>T

Gene: LZTR1 (leucine zipper like post translational regulator 1; plus strand). Cytogenetic location: 22q11.21.
Variant type: single nucleotide variant.
Coding change: c.651+4A>T on transcript NM_006767.4 (MANE Select); 4 bases into the intron after coding-DNA position 651, A replaced by T.
Molecular consequence: intron variant.
Genome position (GRCh38, 1-based): chr22:20,989,686, A>T. VCF-style: chr22-20989686-A-T. GRCh37 (hg19) VCF-style: chr22-21343975-A-T.
Identifiers: ClinVar variation 4747768 (VCV004747768.1).
Genomic context (GRCh38, chr22:20,989,686, plus strand): 5'-TTGAATGACATGTGGACAATTGGCCTCCAGGACCGAGAGCTCACCTGCTGGGAGGAGGTG[A>T]GGGGCGTGGGGAGCCAGGGCGCAGGTAGAGGAGGTGAGGGGCACGGGGAGCCAGGGCGCA-3'

ClinVar aggregate classification (germline): Uncertain significance (1 of 4 stars; one submission).

Submission:

Labcorp Genetics (formerly Invitae), Labcorp
Classification: Uncertain significance. Last evaluated: 2025-11-30. Review status: criteria provided, single submitter. Criteria: Invitae Variant Classification Sherloc (09022015). Collection method: clinical testing. Allele origin: germline.
Comment: This sequence change falls in intron 7 of the LZTR1 gene. It does not directly change the encoded amino acid sequence of the LZTR1 protein. It affects a nucleotide within the consensus splice site. This variant is not present in population databases (gnomAD no frequency). This variant has not been reported in the literature in individuals affected with LZTR1-related conditions. Variants that disrupt the consensus splice site are a relatively common cause of aberrant splicing (PMID: 17576681, 9536098). Algorithms developed to predict the effect of sequence changes on RNA splicing suggest that this variant may disrupt the consensus splice site. In summary, the available evidence is currently insufficient to determine the role of this variant in disease. Therefore, it has been classified as a Variant of Uncertain Significance.

Literature cited by the submitters: PubMed 17576681; PubMed 9536098.